The following is an entry in ClinVar:

ClinVar aggregate classification (germline): Uncertain significance (1 of 4 stars; one submission).

Submission:

GeneDx
Classification: Uncertain significance. Last evaluated: 2024-02-12. Review status: criteria provided, single submitter. Criteria: GeneDx Variant Classification Process June 2021. Collection method: clinical testing. Allele origin: germline. Affected: yes.
Comment: Not observed at significant frequency in large population cohorts (gnomAD); In silico analysis supports that this missense variant has a deleterious effect on protein structure/function; Has not been previously published as pathogenic or benign to our knowledge

NM_002764.4(PRPS1):c.256A>G (p.Thr86Ala)

Gene: PRPS1 (phosphoribosyl pyrophosphate synthetase 1; plus strand). Cytogenetic location: Xq22.3.
Variant type: single nucleotide variant.
Coding change: c.256A>G on transcript NM_002764.4 (MANE Select); coding-DNA position 256, A replaced by G.
Protein change: p.Thr86Ala; replaces threonine 86 with alanine.
Molecular consequence: missense variant. On other transcripts: intron variant (1).
Genome position (GRCh38, 1-based): chrX:107,639,428, A>G. VCF-style: chrX-107639428-A-G. GRCh37 (hg19) VCF-style: chrX-106882658-A-G.
Other names: c.-82-5749A>G (NM_001204402.2); short protein forms T86A.
Identifiers: ClinVar variation 3369227 (VCV003369227.1).
Genomic context (GRCh38, chrX:107,639,428, plus strand): 5'-AATTTAATGGAGCTTTTGATCATGATTAATGCCTGCAAGATTGCTTCAGCCAGCCGGGTT[A>G]CTGCAGTCATCCCATGCTTCCCTTATGCCCGGCAGGATAAGAAAGATAAGGTAGGAGCAG-3'
Protein context (NP_002755.1, residues 76-96): ACKIASASRV[Thr86Ala]AVIPCFPYAR